The following is an entry in ClinVar:

NM_006280.3(SSR4):c.461C>T (p.Ala154Val)

Gene: SSR4 (signal sequence receptor subunit 4; plus strand). Cytogenetic location: Xq28.
Variant type: single nucleotide variant.
Coding change: c.461C>T on transcript NM_006280.3 (MANE Select); coding-DNA position 461, C replaced by T.
Protein change: p.Ala154Val; replaces alanine 154 with valine.
Molecular consequence: missense variant.
Genome position (GRCh38, 1-based): chrX:153,798,372, C>T. VCF-style: chrX-153798372-C-T. GRCh37 (hg19) VCF-style: chrX-153063827-C-T.
Other names: c.494C>T, p.Ala165Val (NM_001204526.2); c.485C>T, p.Ala162Val (NM_001204527.2); short protein forms A154V, A162V, A165V.
Identifiers: ClinVar variation 1001033 (VCV001001033.9), dbSNP rs142189119, ClinGen allele CA10553385.

ClinVar aggregate classification (germline): Uncertain significance. Review status: criteria provided, multiple submitters, no conflicts (2 of 4 stars). 2 submissions from 2 submitters: Uncertain significance (2). Last evaluated 2025-09-05.

Conditions:
Inborn genetic diseases. Identifiers: MedGen C0950123, MeSH D030342.

Allele frequency attached by ClinVar (database versions not stated): TOPMed 0.00001; ExAC 0.00002; gnomAD 0.00002; gnomAD exomes 0.00002; ESP Exome Variant Server 0.00009.

Submissions (2):

Labcorp Genetics (formerly Invitae), Labcorp
Classification: Uncertain significance. Last evaluated: 2025-09-05. Review status: criteria provided, single submitter. Criteria: Invitae Variant Classification Sherloc (09022015). Collection method: clinical testing. Allele origin: germline.
Comment: This sequence change replaces alanine, which is neutral and non-polar, with valine, which is neutral and non-polar, at codon 165 of the SSR4 protein (p.Ala165Val). The frequency data for this variant in the population databases is considered unreliable, as metrics indicate poor data quality at this position in the gnomAD database. This variant has not been reported in the literature in individuals affected with SSR4-related conditions. ClinVar contains an entry for this variant (Variation ID: 1001033). Experimental studies and prediction algorithms are not available or were not evaluated, and the functional significance of this variant is currently unknown. In summary, the available evidence is currently insufficient to determine the role of this variant in disease. Therefore, it has been classified as a Variant of Uncertain Significance.

Ambry Genetics
Classification: Uncertain significance for Inborn genetic diseases. Last evaluated: 2024-04-12. Review status: criteria provided, single submitter. Criteria: Ambry Variant Classification Scheme 2023. Collection method: clinical testing. Allele origin: germline.